The following is an entry in ClinVar:

NM_004655.4(AXIN2):c.841_846dup (p.Pro282_Tyr283insAsnPro)

Gene: AXIN2 (axin 2; minus strand). Cytogenetic location: 17q24.1.
Variant type: Duplication.
Coding change: c.841_846dup on transcript NM_004655.4 (MANE Select); coding-DNA positions 841 to 846, 6 bases duplicated (AATCCT; older notation c.841_846dupAATCCT).
Protein change: p.Pro282_Tyr283insAsnPro.
Molecular consequence: inframe insertion. On other transcripts: inframe indel (1).
Genome position (GRCh38, 1-based): chr17:65,549,630-65,549,635, AGGATT duplicated on the plus strand (AATCCT on the coding strand, the reverse complement: AXIN2 is on the minus strand); duplicating any 6 consecutive bases within chr17:65,549,630-65,549,636 gives the same sequence; the c. name uses the placement nearest the transcript's 3' end. VCF-style (leftmost placement, unchanged base first): chr17-65549629-A-AAGGATT. GRCh37 (hg19) VCF-style: chr17-63545747-A-AAGGATT.
Other names: c.841_846dup, p.Pro282_Tyr283insAsnPro (NM_001363813.1); c.841_846dupAATCCT (NM_004655.3).
Identifiers: ClinVar variation 4619603 (VCV004619603.1).

ClinVar aggregate classification (germline): Uncertain significance (1 of 4 stars; one submission).

Conditions:
Hereditary cancer-predisposing syndrome. Also called: Neoplastic Syndromes, Hereditary; Tumor predisposition; Hereditary Cancer Syndrome; Hereditary neoplastic syndrome. Identifiers: Orphanet 140162, MedGen C0027672, MeSH D009386, MONDO:0015356.

Submission:

Ambry Genetics
Classification: Uncertain significance for Hereditary cancer-predisposing syndrome. Last evaluated: 2025-10-16. Review status: criteria provided, single submitter. Criteria: Ambry Variant Classification Scheme 2023. Collection method: clinical testing. Allele origin: germline.
Comment: The c.841_846dupAATCCT variant (also known as p.N281_P282dup), located in coding exon 2 of the AXIN2 gene, results from an in-frame duplication of AATCCT at nucleotide positions 841 to 846. This results in the duplication of 2 extra residues (NP) between codons 281 and 282. This amino acid region is well conserved in available vertebrate species. In addition, this variant is predicted to be deleterious by in silico analysis (Choi Y et al. PLoS ONE. 2012; 7(10):e46688). Based on the available evidence, the clinical significance of this variant remains unclear.